The following is an entry in ClinVar:

NM_001378030.1(CCDC78):c.183C>G (p.Ile61Met)

Gene: CCDC78 (coiled-coil domain containing 78; minus strand). Cytogenetic location: 16p13.3.
Variant type: single nucleotide variant.
Coding change: c.183C>G on transcript NM_001378030.1 (MANE Select); coding-DNA position 183, C replaced by G.
Protein change: p.Ile61Met; replaces isoleucine 61 with methionine.
Molecular consequence: missense variant. On other transcripts: 5 prime UTR variant (1), non-coding transcript variant (5).
Genome position (GRCh38, 1-based): chr16:725,878, G>C on the plus strand (C>G on the coding strand, the complement: CCDC78 is on the minus strand). VCF-style: chr16-725878-G-C. GRCh37 (hg19) VCF-style: chr16-775878-G-C.
Other names: c.183C>G, p.Ile61Met (NM_001031737.3, NM_001378031.1); c.-103C>G (NM_001378033.1); short protein forms I61M.
Identifiers: ClinVar variation 573422 (VCV000573422.13), dbSNP rs140761899, ClinGen allele CA7789712.

ClinVar aggregate classification (germline): Likely benign. Review status: criteria provided, single submitter (1 of 4 stars). 2 submissions from 2 submitters: Likely benign (1). 1 of the submissions does not count toward it. Last evaluated 2026-01-24.

Conditions:
CCDC78-related disorder. Also called: CCDC78-related condition.
Congenital myopathy with internal nuclei and atypical cores. Also called: Myopathy, centronuclear, 4. Identifiers: Orphanet 319160, MedGen C4707232, MONDO:0013890, OMIM 614807.

Allele frequency attached by ClinVar (database versions not stated): gnomAD exomes 0.00021; ExAC 0.00031; TOPMed 0.00049; gnomAD 0.00050 and 0.00052; ESP Exome Variant Server 0.00062; 1000 Genomes Project 0.00100; 1000 Genomes Project 30x 0.00125.
gnomAD v4.1: 268 of 1,609,698 alleles (0.017%); highest among the groups gnomAD compares: African/African-American, 0.11%; no homozygotes.

Submissions (2):

Labcorp Genetics (formerly Invitae), Labcorp
Classification: Likely benign for Congenital myopathy with internal nuclei and atypical cores. Last evaluated: 2026-01-24. Review status: criteria provided, single submitter. Criteria: Invitae Variant Classification Sherloc (09022015). Collection method: clinical testing. Allele origin: germline.

PreventionGenetics, part of Exact Sciences
Classification: Likely benign for CCDC78-related condition. Last evaluated: 2021-08-19. Review status: no assertion criteria provided. Collection method: clinical testing. Allele origin: germline. Not counted in ClinVar's aggregate classification.
Comment: This variant is classified as likely benign based on ACMG/AMP sequence variant interpretation guidelines (Richards et al. 2015 PMID: 25741868, with internal and published modifications).